The following is an entry in ClinVar:

NM_013339.4(ALG6):c.1211_1214del (p.Ser404fs)

Gene: ALG6 (ALG6 alpha-1,3-glucosyltransferase; plus strand). Cytogenetic location: 1p31.3.
Variant type: Deletion.
Coding change: c.1211_1214del on transcript NM_013339.4 (MANE Select); coding-DNA positions 1211 to 1214, 4 bases deleted (CCTT; older notation c.1211_1214delCCTT).
Protein change: p.Ser404fs; shifts the reading frame from serine 404.
Molecular consequence: frameshift variant.
Genome position (GRCh38, 1-based): chr1:63,429,011-63,429,014, CCTT deleted; deleting any 4 consecutive bases within chr1:63,429,008-63,429,014 gives the same sequence; the c. name uses the placement nearest the transcript's 3' end. VCF-style (leftmost placement, unchanged base first): chr1-63429007-ACTTC-A. GRCh37 (hg19) VCF-style: chr1-63894678-ACTTC-A.
Other names: short protein forms S404fs.
Identifiers: ClinVar variation 4815577 (VCV004815577.1).

ClinVar aggregate classification (germline): Likely pathogenic (1 of 4 stars; one submission).

Conditions:
ALG6-congenital disorder of glycosylation 1C (CDG1C). Also called: Congenital disorder of glycosylation, type Ic; CDG Ic; CARBOHYDRATE-DEFICIENT GLYCOPROTEIN SYNDROME, TYPE I, WITH DEFICIENT GLYCOSYLATION OF DOLICHOL-LINKED OLIGOSACCHARIDE; CARBOHYDRATE-DEFICIENT GLYCOPROTEIN SYNDROME, TYPE V; Congenital disorder of glycosylation type 1C. Identifiers: Orphanet 79320, MedGen C2930997, MONDO:0011291, OMIM 603147.

Submission:

Natera, Inc.
Classification: Likely pathogenic for Congenital disorder of glycosylation type 1c. Last evaluated: 2025-11-10. Review status: criteria provided, single submitter. Criteria: Natera Variant Classification Schema (03/2026). Collection method: clinical testing. Allele origin: germline.
Comment: The c.1211_1214del variant in ALG6 is a frameshift variant predicted to shift the reading frame beginning at codon 404 and leads to a stop codon 14 codons downstream. This variant is expected to result in nonsense mediated decay, truncation, or a dysfunctional protein product. This variant is rare in the general population with a frequency below the threshold expected for the associated phenotype(s). Given the available evidence, this variant is classified as Likely Pathogenic.